The following is an entry in ClinVar:

NM_022455.5(NSD1):c.6818G>C (p.Cys2273Ser)

Gene: NSD1 (nuclear receptor binding SET domain protein 1; plus strand). Cytogenetic location: 5q35.3.
Variant type: single nucleotide variant.
Coding change: c.6818G>C on transcript NM_022455.5 (MANE Select); coding-DNA position 6818, G replaced by C.
Protein change: p.Cys2273Ser; replaces cysteine 2273 with serine.
Molecular consequence: missense variant.
Genome position (GRCh38, 1-based): chr5:177,294,186, G>C. VCF-style: chr5-177294186-G-C. GRCh37 (hg19) VCF-style: chr5-176721187-G-C.
Other names: c.5945G>C, p.Cys1982Ser (NM_001365684.2, NM_001409308.1, NM_172349.5); c.6818G>C, p.Cys2273Ser (NM_001409301.1, NM_001409302.1, NM_001409303.1); c.6398G>C, p.Cys2133Ser (NM_001409304.1); c.6065G>C, p.Cys2022Ser (NM_001409305.1); c.6056G>C, p.Cys2019Ser (NM_001409306.1, NM_001409307.1); c.5696G>C, p.Cys1899Ser (NM_001409309.1); short protein forms C1899S, C1982S, C2019S, C2022S, C2133S, C2273S.
Identifiers: ClinVar variation 2502084 (VCV002502084.2), dbSNP rs1760084366, ClinGen allele CA362326127.

ClinVar aggregate classification (germline): Uncertain significance (1 of 4 stars; one submission).

Allele frequency attached by ClinVar (database versions not stated): gnomAD 0.00001; gnomAD exomes below 0.00001; TOPMed below 0.00001.
gnomAD v4.1: 2 of 1,614,050 alleles (0.00012%); highest among the groups gnomAD compares: Non-Finnish European, 0.00017%; no homozygotes.

Submission:

GeneDx
Classification: Uncertain significance. Last evaluated: 2023-09-11. Review status: criteria provided, single submitter. Criteria: GeneDx Variant Classification Process June 2021. Collection method: clinical testing. Allele origin: germline.
Comment: Not observed at significant frequency in large population cohorts (gnomAD); In silico analysis supports that this missense variant does not alter protein structure/function; Has not been previously published as pathogenic or benign to our knowledge